The following is an entry in ClinVar:

NM_058216.3(RAD51C):c.211A>T (p.Asn71Tyr)

Gene: RAD51C (RAD51 paralog C; plus strand). Cytogenetic location: 17q22.
Variant type: single nucleotide variant.
Coding change: c.211A>T on transcript NM_058216.3 (MANE Select); coding-DNA position 211, A replaced by T.
Protein change: p.Asn71Tyr; replaces asparagine 71 with tyrosine.
Molecular consequence: missense variant. On other transcripts: non-coding transcript variant (2).
Genome position (GRCh38, 1-based): chr17:58,694,996, A>T. VCF-style: chr17-58694996-A-T. GRCh37 (hg19) VCF-style: chr17-56772357-A-T.
Other names: c.211A>T, p.Asn71Tyr (NM_002876.4); short protein forms N71Y.
Identifiers: ClinVar variation 232705 (VCV000232705.28), dbSNP rs876659936, ClinGen allele CA10580727.

ClinVar aggregate classification (germline): Conflicting classifications of pathogenicity. Review status: criteria provided, conflicting classifications (1 of 4 stars). 9 submissions from 9 submitters: Uncertain significance (8); Benign (1). Last evaluated 2025-12-01.

Conditions:
Hereditary cancer-predisposing syndrome. Also called: Hereditary Cancer Syndrome; Neoplastic Syndromes, Hereditary; Tumor predisposition; Hereditary neoplastic syndrome. Identifiers: Orphanet 140162, MedGen C0027672, MeSH D009386, MONDO:0015356.
Breast-ovarian cancer, familial, susceptibility to, 3. Also called: RAD51C-Related Breast/Ovarian Cancer. Identifiers: Orphanet 145, MedGen C3150659, MONDO:0013253, OMIM 613399.
Fanconi anemia complementation group O. Also called: RAD51C-Related Fanconi Anemia. Identifiers: Orphanet 84, MedGen C3150653, MONDO:0013248, OMIM 613390.

Allele frequency attached by ClinVar (database versions not stated): TOPMed 0.00002.
gnomAD v4.1: 1 of 1,614,168 alleles (0.000062%); highest among the groups gnomAD compares: Admixed American, 0.0017%; no homozygotes.

Submissions (9):

Labcorp Genetics (formerly Invitae), Labcorp
Classification: Uncertain significance for Fanconi anemia complementation group O. Last evaluated: 2025-12-01. Review status: criteria provided, single submitter. Criteria: Invitae Variant Classification Sherloc (09022015). Collection method: clinical testing. Allele origin: germline.
Comment: This sequence change replaces asparagine, which is neutral and polar, with tyrosine, which is neutral and polar, at codon 71 of the RAD51C protein (p.Asn71Tyr). This variant is not present in population databases (gnomAD no frequency). This missense change has been observed in individual(s) with Lynch syndrome (PMID: 25980754). ClinVar contains an entry for this variant (Variation ID: 232705). An algorithm developed to predict the effect of missense changes on protein structure and function (PolyPhen-2) suggests that this variant is likely to be tolerated. In summary, the available evidence is currently insufficient to determine the role of this variant in disease. Therefore, it has been classified as a Variant of Uncertain Significance.

Ambry Genetics
Classification: Benign for Hereditary cancer-predisposing syndrome. Last evaluated: 2025-10-17. Review status: criteria provided, single submitter. Criteria: Ambry Variant Classification Scheme 2023. Collection method: clinical testing. Allele origin: germline.

Baylor Genetics
Classification: Uncertain significance for Breast-ovarian cancer, familial, susceptibility to, 3. Last evaluated: 2024-03-27. Review status: criteria provided, single submitter. Criteria: ACMG Guidelines, 2015. Collection method: clinical testing. Allele origin: unknown.

GeneDx
Classification: Uncertain significance. Last evaluated: 2023-12-07. Review status: criteria provided, single submitter. Criteria: GeneDx Variant Classification Process June 2021. Collection method: clinical testing. Allele origin: germline. Affected: yes.
Comment: Not observed at significant frequency in large population cohorts (gnomAD); In silico analysis supports that this missense variant has a deleterious effect on protein structure/function; Identified in individuals with Lynch-associated cancer and/or polyps (Yurgelun 2015); This variant is associated with the following publications: (PMID: 25980754)

Fulgent Genetics
Classification: Uncertain significance for Fanconi anemia complementation group O; Breast-ovarian cancer, familial, susceptibility to, 3. Last evaluated: 2022-04-02. Review status: criteria provided, single submitter. Criteria: ACMG Guidelines, 2015. Collection method: clinical testing. Allele origin: unknown.

Color Diagnostics, LLC DBA Color Health
Classification: Uncertain significance for Hereditary cancer-predisposing syndrome. Last evaluated: 2021-12-09. Review status: criteria provided, single submitter. Criteria: ACMG Guidelines, 2015. Collection method: clinical testing. Allele origin: germline.
Comment: This missense variant replaces asparagine with tyrosine at codon 71 of the RAD51C protein. Computational prediction suggests that this variant may not impact protein structure and function (internally defined REVEL score threshold <= 0.5, PMID: 27666373). To our knowledge, functional studies have not been reported for this variant. This variant has been reported in an individual with suspected Lynch Syndrome in the literature (PMID: 25980754). This variant has not been identified in the general population by the Genome Aggregation Database (gnomAD). The available evidence is insufficient to determine the role of this variant in disease conclusively. Therefore, this variant is classified as a Variant of Uncertain Significance.

Sema4
Classification: Uncertain significance for Hereditary cancer-predisposing syndrome. Last evaluated: 2021-11-05. Review status: criteria provided, single submitter. Criteria: Sema4 Curation Guidelines. Collection method: curation. Allele origin: germline.
Comment: The RAD51C c.211A>T (p.N71Y) has been reported as heterozygous in at least one individual undergoing testing for Lynch syndrome (PMID: 25980754). It was not observed in the large and broad cohorts of the Genome Aggregation Database (PMID: 32461654), but has been reported in ClinVar (Variation ID: 232705). In silico tools suggest the impact of the variant on protein function is benign, though these predictions have not been confirmed by functional studies. Based on the current evidence available, this variant is interpreted as a variant of uncertain significance.

Breakthrough Genomics
Classification: Uncertain significance. Review status: criteria provided, single submitter. Criteria: ACMG Guidelines, 2015. Collection method: not provided. Allele origin: germline. Inheritance: Autosomal recessive inheritance. Affected: yes.

Center for Genomics, Ann and Robert H. Lurie Children's Hospital of Chicago
Classification: Uncertain significance for Breast-ovarian cancer, familial, susceptibility to, 3; Fanconi anemia complementation group O. Review status: criteria provided, single submitter. Criteria: ACMG Guidelines, 2015. Collection method: clinical testing. Allele origin: germline.
Comment: This variant has not been reported in the literature and is not present in large control databases. This variant is present in ClinVar (Variation ID: 232705). Evolutionary conservation and computational predictive tools suggest that this variant may not impact the protein. In summary, data on this variant is insufficient for disease classification. Therefore, the clinical significance of this variant is uncertain.

Literature cited by the submitters: PubMed 25980754 (cited by 3 submitters).